The following is an entry in ClinVar:

NM_001378457.1(DMXL2):c.4918A>G (p.Arg1640Gly)

Gene: DMXL2 (Dmx like 2; minus strand). Cytogenetic location: 15q21.2.
Variant type: single nucleotide variant.
Coding change: c.4918A>G on transcript NM_001378457.1 (MANE Select); coding-DNA position 4918, A replaced by G.
Protein change: p.Arg1640Gly; replaces arginine 1640 with glycine.
Molecular consequence: missense variant. On other transcripts: non-coding transcript variant (2).
Genome position (GRCh38, 1-based): chr15:51,491,613, T>C on the plus strand (A>G on the coding strand, the complement: DMXL2 is on the minus strand). VCF-style: chr15-51491613-T-C. GRCh37 (hg19) VCF-style: chr15-51783810-T-C.
Other names: c.3010A>G, p.Arg1004Gly (NM_001174117.3); c.4918A>G, p.Arg1640Gly (NM_001378458.1, NM_001378459.1, NM_001378461.1 and 4 more transcripts); c.2899A>G, p.Arg967Gly (NM_001378460.1); c.4678A>G, p.Arg1560Gly (NM_001378464.1); short protein forms R1004G, R1640G, R967G, R1560G.
Identifiers: ClinVar variation 4727324 (VCV004727324.1).
Genomic context (GRCh38, chr15:51,491,613, plus strand): 5'-TCAAAATCCACTAAAGAAAAGTTACCTTTTCAATGCATCTTCGAAGCGTGTTAATGTTCC[T>C]CACCCACCATCCTATGCCCATAGCTCTTAATTCAGACCACTGGGGGTCCCCTCTCTGAAT-3'
Protein context (NP_001365386.1, residues 1630-1650): LRAMGIGWWV[Arg1640Gly]NINTLRRCIE

ClinVar aggregate classification (germline): Uncertain significance (1 of 4 stars; one submission).

Submission:

Labcorp Genetics (formerly Invitae), Labcorp
Classification: Uncertain significance. Last evaluated: 2025-10-14. Review status: criteria provided, single submitter. Criteria: Invitae Variant Classification Sherloc (09022015). Collection method: clinical testing. Allele origin: germline.
Comment: This sequence change replaces arginine, which is basic and polar, with glycine, which is neutral and non-polar, at codon 1640 of the DMXL2 protein (p.Arg1640Gly). This variant is not present in population databases (gnomAD no frequency). This variant has not been reported in the literature in individuals affected with DMXL2-related conditions. An algorithm developed to predict the effect of missense changes on protein structure and function (PolyPhen-2) suggests that this variant is likely to be disruptive. In summary, the available evidence is currently insufficient to determine the role of this variant in disease. Therefore, it has been classified as a Variant of Uncertain Significance.